The following is an entry in ClinVar:

ClinVar aggregate classification (germline): Uncertain significance. Review status: criteria provided, multiple submitters, no conflicts (2 of 4 stars). 2 submissions from 2 submitters: Uncertain significance (2). Last evaluated 2022-12-11.

Conditions:
Gorlin syndrome. Also called: Nevoid Basal Cell Carcinoma Syndrome; Basal cell nevus syndrome. Identifiers: Orphanet 377, MedGen C0004779, MONDO:0007187.
Hereditary cancer-predisposing syndrome. Also called: Hereditary neoplastic syndrome; Hereditary Cancer Syndrome; Tumor predisposition; Neoplastic Syndromes, Hereditary. Identifiers: Orphanet 140162, MedGen C0027672, MeSH D009386, MONDO:0015356.

Submissions (2):

Labcorp Genetics (formerly Invitae), Labcorp
Classification: Uncertain significance for Gorlin syndrome. Last evaluated: 2022-12-11. Review status: criteria provided, single submitter. Criteria: Invitae Variant Classification Sherloc (09022015). Collection method: clinical testing. Allele origin: germline.
Comment: This variant is not present in population databases (gnomAD no frequency). In summary, the available evidence is currently insufficient to determine the role of this variant in disease. Therefore, it has been classified as a Variant of Uncertain Significance. Advanced modeling of protein sequence and biophysical properties (such as structural, functional, and spatial information, amino acid conservation, physicochemical variation, residue mobility, and thermodynamic stability) performed at Invitae indicates that this missense variant is not expected to disrupt PTCH1 protein function. ClinVar contains an entry for this variant (Variation ID: 967980). This variant has not been reported in the literature in individuals affected with PTCH1-related conditions. This sequence change replaces leucine, which is neutral and non-polar, with phenylalanine, which is neutral and non-polar, at codon 745 of the PTCH1 protein (p.Leu745Phe).

Ambry Genetics
Classification: Uncertain significance for Hereditary cancer-predisposing syndrome. Last evaluated: 2022-11-25. Review status: criteria provided, single submitter. Criteria: Ambry Variant Classification Scheme 2023. Collection method: clinical testing. Allele origin: germline.
Comment: The p.L745F variant (also known as c.2235G>C), located in coding exon 14 of the PTCH1 gene, results from a G to C substitution at nucleotide position 2235. The leucine at codon 745 is replaced by phenylalanine, an amino acid with highly similar properties. This amino acid position is conserved. In addition, the in silico prediction for this alteration is inconclusive. Since supporting evidence is limited at this time, the clinical significance of this alteration remains unclear.

NM_000264.5(PTCH1):c.2235G>C (p.Leu745Phe)

Genes: PTCH1 (patched 1; minus strand), LOC100507346 (uncharacterized LOC100507346; plus strand). Cytogenetic location: 9q22.32.
Variant type: single nucleotide variant.
Coding change: c.2235G>C on transcript NM_000264.5 (MANE Select); coding-DNA position 2235, G replaced by C.
Protein change: p.Leu745Phe; replaces leucine 745 with phenylalanine.
Molecular consequence: missense variant. On other transcripts: non-coding transcript variant (2).
Genome position (GRCh38, 1-based): chr9:95,468,766, C>G on the plus strand (G>C on the coding strand, the complement: PTCH1 is on the minus strand). VCF-style: chr9-95468766-C-G. GRCh37 (hg19) VCF-style: chr9-98231048-C-G.
Other names: c.2037G>C, p.Leu679Phe (NM_001083602.3); c.2232G>C, p.Leu744Phe (NM_001083603.3); c.1782G>C, p.Leu594Phe (NM_001083604.3, NM_001083605.3, NM_001083606.3 and 1 more transcripts); c.2079G>C, p.Leu693Phe (NM_001354918.2); short protein forms L594F, L679F, L744F, L745F, L693F.
Identifiers: ClinVar variation 967980 (VCV000967980.9), dbSNP rs749283740, ClinGen allele CA374115218.